The following is an entry in ClinVar:

ClinVar aggregate classification (germline): Uncertain significance (1 of 4 stars; one submission).

Submission:

Labcorp Genetics (formerly Invitae), Labcorp
Classification: Uncertain significance. Last evaluated: 2021-02-03. Review status: criteria provided, single submitter. Criteria: Invitae Variant Classification Sherloc (09022015). Collection method: clinical testing. Allele origin: germline.
Comment: In summary, the available evidence is currently insufficient to determine the role of this variant in disease. Therefore, it has been classified as a Variant of Uncertain Significance. Experimental studies and prediction algorithms are not available or were not evaluated, and the functional significance of this variant is currently unknown. This variant has not been reported in the literature in individuals with ZSWIM6-related conditions. The frequency data for this variant in the population databases is considered unreliable, as metrics indicate insufficient coverage at this position in the ExAC database. This variant, c.492_521del, results in the deletion of 10 amino acid(s) of the ZSWIM6 protein (p.Thr167_Ala176del), but otherwise preserves the integrity of the reading frame.

NM_020928.2(ZSWIM6):c.492_521del (p.Thr167_Ala176del)

Gene: ZSWIM6 (zinc finger SWIM-type containing 6; plus strand). Cytogenetic location: 5q12.1.
Variant type: Deletion.
Coding change: c.492_521del on transcript NM_020928.2 (MANE Select); coding-DNA positions 492 to 521, 30 bases deleted (GGCCGCAACCTCGGCCGCCGCCGCCGCTGC).
Protein change: p.Thr167_Ala176del.
Molecular consequence: inframe deletion.
Genome position (GRCh38, 1-based): chr5:61,332,764-61,332,793, GGCCGCAACCTCGGCCGCCGCCGCCGCTGC deleted; deleting any 30 consecutive bases within chr5:61,332,762-61,332,793 gives the same sequence; the c. name uses the placement nearest the transcript's 3' end. VCF-style (leftmost placement, unchanged base first): chr5-61332761-GGCGGCCGCAACCTCGGCCGCCGCCGCCGCT-G. GRCh37 (hg19) VCF-style: chr5-60628588-GGCGGCCGCAACCTCGGCCGCCGCCGCCGCT-G.
Identifiers: ClinVar variation 1902788 (VCV001902788.5), dbSNP rs1407382274, ClinGen allele CA444674045.